The following is an entry in ClinVar:

NM_020822.3(KCNT1):c.2944-52CTCC[4]

Gene: KCNT1 (potassium sodium-activated channel subfamily T member 1; plus strand). Cytogenetic location: 9q34.3.
Variant type: Microsatellite.
Coding change: c.2944-52CTCC[4] on transcript NM_020822.3 (MANE Select); four copies in a row of the 4-base unit CTCC starting at c.2944-52.
Molecular consequence: intron variant.
Genome position: GRCh38 VCF-style: chr9-135784482-GCTCCCTCCCTCCCTCCCTCCCTCCCTCC-G. GRCh37 (hg19) VCF-style: chr9-138676328-GCTCCCTCCCTCCCTCCCTCCCTCCCTCC-G.
Other names: NC_000009.11:g.138676347_138676374del; c.2809-52CTCC[4] (NM_001272003.2); c.2944-34_2944-7del (NM_020822.3).
Identifiers: ClinVar variation 288488 (VCV000288488.11), dbSNP rs55843930, ClinGen allele CA10606105.

ClinVar aggregate classification (germline): Benign/Likely benign. Review status: criteria provided, multiple submitters, no conflicts (2 of 4 stars). 5 submissions from 4 submitters: Benign (2); Likely benign (3). Last evaluated 2025-11-19.

Conditions:
Autosomal dominant nocturnal frontal lobe epilepsy 5. Also called: Epilepsy, nocturnal frontal lobe, 5; KCNT1-Related Epilepsy; CILIARY DYSKINESIA, PRIMARY, 28, WITHOUT SITUS INVERSUS; CILIARY DYSKINESIA, PRIMARY, 28, WITH SITUS INVERSUS. Identifiers: Orphanet 98784, MedGen C3554306, MONDO:0014002, OMIM 615005.
Developmental and epileptic encephalopathy, 14 (DEE14). Also called: Early infantile epileptic encephalopathy 14. Identifiers: Orphanet 293181, MedGen C3554195, MONDO:0013989, OMIM 614959.

Submissions (7):

Dasa
Classification: Benign. Last evaluated: 2025-11-19. Review status: criteria provided, single submitter. Criteria: DASA Assertion Criteria. Collection method: clinical testing. Allele origin: germline.
Comment: NM_020822.3(KCNT1):c.2944-34_2944-7del is an intronic variant. Population frequency is inconsistent with a disease-causing role for this variant, and observations in unaffected individuals support a benign interpretation. Therefore, based on the currently available evidence, this variant is classified as benign.

Genome-Nilou Lab
Classification: Likely benign for Developmental and epileptic encephalopathy, 14. Last evaluated: 2022-03-15. Review status: criteria provided, single submitter. Criteria: ACMG Guidelines, 2015. Collection method: clinical testing. Allele origin: germline. Affected: no.

Genome-Nilou Lab
Classification: Likely benign for Autosomal dominant nocturnal frontal lobe epilepsy 5. Last evaluated: 2022-03-15. Review status: criteria provided, single submitter. Criteria: ACMG Guidelines, 2015. Collection method: clinical testing. Allele origin: germline. Affected: no.

Eurofins Ntd Llc (ga)
Classification: Likely benign. Last evaluated: 2016-06-07. Review status: criteria provided, single submitter. Criteria: EGL Classification Definitions 2015. Collection method: clinical testing. Allele origin: germline. Observed: 1 variant allele, 1 homozygote.

GeneDx
Classification: Benign. Last evaluated: 2016-01-28. Review status: criteria provided, single submitter. Criteria: GeneDx Variant Classification Process June 2021. Collection method: clinical testing. Allele origin: germline. Affected: yes.

Dr. Peter K. Rogan Lab, Western University
No classification provided (evidence only). Condition: Colorectal cancer. Review status: no classification provided. Collection method: in vitro. Allele origin: not applicable. Functional consequence: retained intron. Not counted in ClinVar's aggregate classification.

Dr. Peter K. Rogan Lab, Western University
No classification provided (evidence only). Condition: Familial pancreatic carcinoma. Review status: no classification provided. Collection method: in vitro. Allele origin: not applicable. Functional consequence: retained intron. Not counted in ClinVar's aggregate classification.